The following is an entry in ClinVar:

ClinVar aggregate classification (germline): Pathogenic (1 of 4 stars; one submission).

Submission:

Labcorp Genetics (formerly Invitae), Labcorp
Classification: Pathogenic. Last evaluated: 2022-10-05. Review status: criteria provided, single submitter. Criteria: Invitae Variant Classification Sherloc (09022015). Collection method: clinical testing. Allele origin: germline.
Comment: For these reasons, this variant has been classified as Pathogenic. A similar copy number variant has been observed in individuals with PAX3-related conditions (PMID: 23512835, 24839464, 29407415). A gross deletion of the genomic region encompassing the full coding sequence of the PAX3 gene has been identified. Loss-of-function variants in PAX3 are known to be pathogenic (PMID: 20127975, 23512835). The boundaries of this event are unknown as they extend beyond the assayed region for this gene and therefore may encompass additional genes.

Literature cited by the submitters: PubMed 23512835; PubMed 24839464; PubMed 29407415; PubMed 20127975.

NC_000002.11:g.(?_223066643)_(223163334_?)del

Genes: CCDC140 (CCDC140 long non-coding RNA; plus strand), PAX3 (paired box 3; minus strand). Cytogenetic location: 2q36.1.
Variant type: Deletion.
Identifiers: ClinVar variation 2427576 (VCV002427576.4).